The following is an entry in ClinVar:

NM_201596.3(CACNB2):c.590C>T (p.Ser197Phe)

Gene: CACNB2 (calcium voltage-gated channel auxiliary subunit beta 2; plus strand). Cytogenetic location: 10p12.31.
Variant type: single nucleotide variant.
Coding change: c.590C>T on transcript NM_201596.3 (MANE Select); coding-DNA position 590, C replaced by T.
Protein change: p.Ser197Phe; replaces serine 197 with phenylalanine.
Molecular consequence: missense variant.
Genome position (GRCh38, 1-based): chr10:18,500,945, C>T. VCF-style: chr10-18500945-C-T. GRCh37 (hg19) VCF-style: chr10-18789874-C-T.
Other names: p.S142F:TCC>TTC; p.Ser143Phe; c.425C>T, p.Ser142Phe (NM_000724.4, NM_001330060.2); c.506C>T, p.Ser169Phe (NM_001167945.2, NM_201571.4, NM_201572.4); c.446C>T, p.Ser149Phe (NM_201570.3); c.428C>T, p.Ser143Phe (NM_201590.3); c.590C>T, p.Ser197Phe (NM_201593.3, NM_201597.3); short protein forms S142F, S143F, S197F, S149F, S169F.
Identifiers: ClinVar variation 161210 (VCV000161210.54), dbSNP rs150528041, ClinGen allele CA235673.

ClinVar aggregate classification (germline): Conflicting classifications of pathogenicity. Review status: criteria provided, conflicting classifications (1 of 4 stars). 15 submissions from 15 submitters: Uncertain significance (2); Benign (1); Likely benign (8). 4 of the submissions do not count toward it. Last evaluated 2026-01-04.

Conditions:
CACNB2-related disorder. Also called: CACNB2-related condition.
Cardiovascular phenotype. Identifiers: MedGen CN230736.
Cardiomyopathy (CMYO). Also called: Cardiomyopathies. Identifiers: Orphanet 167848, MedGen C0878544, MONDO:0004994, HP:0001638. Inheritance: Various modes of inheritance.
Brugada syndrome. Also called: Sudden unexplained nocturnal death syndrome; Sudden Unexplained Death Syndrome; Sudden Unexplained Nocturnal Death Syndrome (SUNDS); Sudden unexpected nocturnal death syndrome. Identifiers: Orphanet 130, MedGen C1142166, MONDO:0015263.
Brugada syndrome 4 (BRGDA4). Identifiers: Orphanet 130, MedGen C2678477, MONDO:0012743, OMIM 611876.

Allele frequency attached by ClinVar (database versions not stated): 1000 Genomes Project 0.00040; 1000 Genomes Project 30x 0.00047; ExAC 0.00051; ESP Exome Variant Server 0.00092; gnomAD exomes 0.00109 and 0.00051; gnomAD 0.00064; TOPMed 0.00069.
gnomAD v4.1: 1,675 of 1,613,852 alleles (0.1%); highest among the groups gnomAD compares: Non-Finnish European, 0.14%; 1 homozygote.

Submissions (15):

Labcorp Genetics (formerly Invitae), Labcorp
Classification: Likely benign for Brugada syndrome 4. Last evaluated: 2026-01-04. Review status: criteria provided, single submitter. Criteria: Invitae Variant Classification Sherloc (09022015). Collection method: clinical testing. Allele origin: germline.

Mayo Clinic Laboratories, Mayo Clinic
Classification: Uncertain significance. Last evaluated: 2025-10-06. Review status: criteria provided, single submitter. Criteria: ACMG Guidelines, 2015. Collection method: clinical testing. Allele origin: germline. Observed: 2 variant alleles.
Comment: BS1, PP4, PS3_supporting

Blueprint Genetics
Classification: Likely benign. Last evaluated: 2024-10-16. Review status: criteria provided, single submitter. Criteria: ACMG Guidelines, 2015. Collection method: clinical testing. Allele origin: germline.

CeGaT Center for Human Genetics Tuebingen
Classification: Benign. Last evaluated: 2024-04-01. Review status: criteria provided, single submitter. Criteria: CeGaT Center For Human Genetics Tuebingen Variant Classification Criteria Version 2. Collection method: clinical testing. Allele origin: germline. Affected: yes. Observed: 1 variant allele.
Comment: CACNB2: BS1, BS2

ARUP Laboratories, Molecular Genetics and Genomics, ARUP Laboratories
Classification: Likely benign for Brugada syndrome 4. Last evaluated: 2021-11-30. Review status: criteria provided, single submitter. Criteria: ARUP Molecular Germline Variant Investigation Process 2021. Collection method: clinical testing. Allele origin: germline.

GeneDx
Classification: Likely benign. Last evaluated: 2019-03-11. Review status: criteria provided, single submitter. Criteria: GeneDx Variant Classification Process June 2021. Collection method: clinical testing. Allele origin: germline. Affected: yes.
Comment: This variant is associated with the following publications: (PMID: 26707467, 20817017, 31887354, 24055113, 23414114, 25637381, 24752249, 27711072, 25467552, 30821013, 30847666)

Center for Advanced Laboratory Medicine, UC San Diego Health, University of California San Diego
Classification: Likely benign for Cardiomyopathy. Last evaluated: 2019-02-26. Review status: criteria provided, single submitter. Criteria: ACMG Guidelines, 2015. Collection method: clinical testing. Allele origin: germline. Affected: yes. Observed: 1 variant allele.

Ambry Genetics
Classification: Likely benign for Cardiovascular phenotype. Last evaluated: 2019-01-29. Review status: criteria provided, single submitter. Criteria: Ambry Variant Classification Scheme 2023. Collection method: clinical testing. Allele origin: germline.

Women's Health and Genetics/Laboratory Corporation of America, LabCorp
Classification: Likely benign. Last evaluated: 2018-06-18. Review status: criteria provided, single submitter. Criteria: LabCorp Variant Classification Summary - May 2015. Collection method: clinical testing. Allele origin: germline.
Comment: Variant summary: CACNB2 c.428C>T (p.Ser143Phe) results in a non-conservative amino acid change located in the Guanylate kinase/L-type calcium channel beta subunit of the encoded protein sequence. Five of five in-silico tools predict a damaging effect of the variant on protein function. The variant allele was found at a frequency of 0.00053 in 278284 control chromosomes, predominantly at a frequency of 0.0011 within the Non-Finnish European subpopulation in the gnomAD database, including 1 homozygotes. The observed variant frequency within Non-Finnish European control individuals in the gnomAD database is approximately 352 fold of the estimated maximal expected allele frequency for a pathogenic variant in CACNB2 causing Brugada Syndrome phenotype (3.1e-06), strongly suggesting that the variant is a benign polymorphism found primarily in populations of Non-Finnish European origin. c.428C>T has been reported in the literature in individuals affected with Brugada Syndrome. These report(s) do not provide unequivocal conclusions about association of the variant with Brugada Syndrome. In addition, there was no statistical difference in mean J-point elevation between carriers and non-carriers (Ghouse_2017), also supporting a benign outcome. To our knowledge, no experimental evidence demonstrating an impact on protein function has been reported. Four clinical diagnostic laboratories have submitted clinical-significance assessments for this variant to ClinVar after 2014 without evidence for independent evaluation. Multiple laboratories reported the variant with conflicting assessments (2 likely benign and 2 VUS). Based on the evidence outlined above, the variant was classified as likely benign.

Laboratory for Molecular Medicine, Mass General Brigham Personalized Medicine
Classification: Uncertain significance. Last evaluated: 2016-03-29. Review status: criteria provided, single submitter. Criteria: LMM Criteria. Collection method: clinical testing. Allele origin: germline.
Comment: Variant identified in a genome or exome case(s) and assessed due to predicted null impact of the variant or pathogenic assertions in the literature or databases. Disclaimer: This variant has not undergone full assessment. The following are preliminary notes: Only associated with autism; ExAC: 0.1% (60/65764) European chromosomes

Biesecker Lab/Clinical Genomics Section, National Institutes of Health
Classification: Likely benign. Last evaluated: 2013-06-24. Review status: criteria provided, single submitter. Criteria: Ng et al. (Circ Cardiovasc Genet. 2013). Collection method: research. Allele origin: unknown. Observed: 4 variant alleles. Study: ClinSeq.
Comment: The study set was not selected for affection status in relation to any cancer. Pathogenicity categories were based on literature curation. See Pubmed ID:23861362 for details.

Medical sequencing

PreventionGenetics, part of Exact Sciences
Classification: Likely benign for CACNB2-related condition. Last evaluated: 2024-04-10. Review status: no assertion criteria provided. Collection method: clinical testing. Allele origin: germline. Not counted in ClinVar's aggregate classification.
Comment: This variant is classified as likely benign based on ACMG/AMP sequence variant interpretation guidelines (Richards et al. 2015 PMID: 25741868, with internal and published modifications).

CSER _CC_NCGL, University of Washington
Classification: Uncertain significance for Brugada syndrome. Last evaluated: 2014-06-01. Review status: no assertion criteria provided. Collection method: research. Allele origin: germline. Inheritance: Autosomal dominant inheritance. Study: ESP 6500 variant annotation. Not counted in ClinVar's aggregate classification.
Comment: Variants classified for the Actionable exomic incidental findings in 6503 participants: challenges of variant classification manuscript

Clinical Genetics, Academic Medical Center
Classification: Likely benign. Review status: no assertion criteria provided. Collection method: clinical testing. Allele origin: germline. Affected: yes. Study: VKGL Data-share Consensus. Not counted in ClinVar's aggregate classification.

Joint Genome Diagnostic Labs from Nijmegen and Maastricht, Radboudumc and MUMC+
Classification: Likely benign. Review status: no assertion criteria provided. Collection method: clinical testing. Allele origin: germline. Affected: yes. Study: VKGL Data-share Consensus. Not counted in ClinVar's aggregate classification.

Literature cited by the submitters: PubMed 20817017 (cited by 3 submitters); PubMed 23414114 (cited by 3 submitters); PubMed 24055113 (cited by 3 submitters); PubMed 27711072 (cited by 3 submitters); PubMed 35955449 (cited by Mayo Clinic Laboratories, Mayo Clinic); PubMed 37122210 (cited by Mayo Clinic Laboratories, Mayo Clinic); PubMed 23861362 (cited by Ambry Genetics and Women's Health and Genetics/Laboratory Corporation of America, LabCorp); PubMed 24752249 (cited by Ambry Genetics); PubMed 25467552 (cited by Ambry Genetics); PubMed 25637381 (cited by Ambry Genetics and Women's Health and Genetics/Laboratory Corporation of America, LabCorp); PubMed 23874304 (cited by Women's Health and Genetics/Laboratory Corporation of America, LabCorp).